The following is an entry in ClinVar:

ClinVar aggregate classification (germline): Likely benign (0 of 4 stars; one submission).

Conditions:
PLXNB1-related disorder. Also called: PLXNB1-related condition.

Allele frequency attached by ClinVar (database versions not stated): 1000 Genomes Project 0.00240; 1000 Genomes Project 30x 0.00265; ESP Exome Variant Server 0.00515; gnomAD exomes 0.00586.

Submission:

PreventionGenetics, part of Exact Sciences
Classification: Likely benign for PLXNB1-related condition. Last evaluated: 2019-03-01. Review status: no assertion criteria provided. Collection method: clinical testing. Allele origin: germline.
Comment: This variant is classified as likely benign based on ACMG/AMP sequence variant interpretation guidelines (Richards et al. 2015 PMID: 25741868, with internal and published modifications).

NM_001130082.3(PLXNB1):c.815G>A (p.Arg272His)

Gene: PLXNB1 (plexin B1; minus strand). Cytogenetic location: 3p21.31.
Variant type: single nucleotide variant.
Coding change: c.815G>A on transcript NM_001130082.3 (MANE Select); coding-DNA position 815, G replaced by A.
Protein change: p.Arg272His; replaces arginine 272 with histidine.
Molecular consequence: missense variant.
Genome position (GRCh38, 1-based): chr3:48,423,797, C>T on the plus strand (G>A on the coding strand, the complement: PLXNB1 is on the minus strand). VCF-style: chr3-48423797-C-T. GRCh37 (hg19) VCF-style: chr3-48465206-C-T.
Other names: c.815G>A, p.Arg272His (NM_002673.6); short protein forms R272H.
Identifiers: ClinVar variation 3041215 (VCV003041215.2), dbSNP rs61729213, ClinGen allele CA2375280.